The following is an entry in ClinVar:

NM_004006.3(DMD):c.3082C>T (p.Arg1028Cys)

Gene: DMD (dystrophin; minus strand). Cytogenetic location: Xp21.1.
Variant type: single nucleotide variant.
Coding change: c.3082C>T on transcript NM_004006.3 (MANE Select); coding-DNA position 3082, C replaced by T.
Protein change: p.Arg1028Cys; replaces arginine 1028 with cysteine.
Molecular consequence: missense variant.
Genome position (GRCh38, 1-based): chrX:32,468,578, G>A on the plus strand (C>T on the coding strand, the complement: DMD is on the minus strand). VCF-style: chrX-32468578-G-A. GRCh37 (hg19) VCF-style: chrX-32486695-G-A.
Other names: c.3058C>T, p.Arg1020Cys (NM_000109.4); c.3070C>T, p.Arg1024Cys (NM_004009.3); c.2713C>T, p.Arg905Cys (NM_004010.3); short protein forms R1028C, R1024C, R1020C, R905C.
Identifiers: ClinVar variation 228584 (VCV000228584.22), dbSNP rs146384458, ClinGen allele CA10379363.

ClinVar aggregate classification (germline): Conflicting classifications of pathogenicity. Review status: criteria provided, conflicting classifications (1 of 4 stars). 4 submissions from 4 submitters: Uncertain significance (3); Likely benign (1). Last evaluated 2025-11-07.

Conditions:
Cardiovascular phenotype. Identifiers: MedGen CN230736.
Duchenne muscular dystrophy (DMD). Also called: MUSCULAR DYSTROPHY, PSEUDOHYPERTROPHIC PROGRESSIVE, DUCHENNE TYPE; Duchenne Muscular Dystrophy (DMD). Identifiers: Orphanet 98896, MedGen C0013264, MONDO:0010679, OMIM 310200.

Allele frequency attached by ClinVar (database versions not stated): gnomAD exomes 0.00003 and 0.00004; ExAC 0.00004; TOPMed 0.00004; gnomAD 0.00006 and 0.00011; 1000 Genomes Project 0.00026; ESP Exome Variant Server 0.00028; 1000 Genomes Project 30x 0.00062.
gnomAD v4.1: 51 of 1,208,686 alleles (0.0042%); highest among the groups gnomAD compares: South Asian, 0.058%; no homozygotes.

Submissions (4):

Labcorp Genetics (formerly Invitae), Labcorp
Classification: Likely benign for Duchenne muscular dystrophy. Last evaluated: 2025-11-07. Review status: criteria provided, single submitter. Criteria: Invitae Variant Classification Sherloc (09022015). Collection method: clinical testing. Allele origin: germline.

Ambry Genetics
Classification: Uncertain significance for Cardiovascular phenotype. Last evaluated: 2024-10-27. Review status: criteria provided, single submitter. Criteria: Ambry Variant Classification Scheme 2023. Collection method: clinical testing. Allele origin: germline.
Comment: The p.R1028C variant (also known as c.3082C>T), located in coding exon 23 of the DMD gene, results from a C to T substitution at nucleotide position 3082. The arginine at codon 1028 is replaced by cysteine, an amino acid with highly dissimilar properties. Based on data from gnomAD, the T allele has an overall frequency of 0.004% (8/203475) total alleles studied, with 4 hemizygotes observed. The highest observed frequency was 0.021% (4/18977) of African alleles. This amino acid position is well conserved in available vertebrate species. In addition, the in silico prediction for this alteration is inconclusive. Based on the available evidence, the clinical significance of this variant remains unclear.

Eurofins Ntd Llc (ga)
Classification: Uncertain significance. Last evaluated: 2017-03-14. Review status: criteria provided, single submitter. Criteria: EGL Classification Definitions 2015. Collection method: clinical testing. Allele origin: germline. Observed: 1 variant allele, 1 heterozygote.

Laboratory for Molecular Medicine, Mass General Brigham Personalized Medicine
Classification: Uncertain significance. Last evaluated: 2015-03-11. Review status: criteria provided, single submitter. Criteria: LMM Criteria. Collection method: clinical testing. Allele origin: germline. Observed: 1 variant allele.
Comment: Variant classified as Uncertain Significance - Favor Benign. The p.Arg1028Cys va riant in DMD has not been previously reported in individuals with cardiomyopathy , but has been identified in 2/8092 African chromosomes (including 1 hemizygous male) and in 1/8681 South Asian chromosomes by the Exome Aggregation Consortium (ExAC; dbSNP rs146384458). Arginine (Arg) at pos ition 1028 is not conserved in evolution, and 2 species (tenrec and green sea tu rtle) carry a cysteine (Cys), raising the possibility that this change may be to lerated. In summary, while the clinical significance of the p.Arg1028Cys variant is uncertain, these data suggest that it is more likely to be benign.